The following is an entry in ClinVar:

NM_000234.3(LIG1):c.191T>C (p.Leu64Pro)

Gene: LIG1 (DNA ligase 1; minus strand). Cytogenetic location: 19q13.33.
Variant type: single nucleotide variant.
Coding change: c.191T>C on transcript NM_000234.3 (MANE Select); coding-DNA position 191, T replaced by C.
Protein change: p.Leu64Pro; replaces leucine 64 with proline.
Molecular consequence: missense variant. On other transcripts: non-coding transcript variant (6).
Genome position (GRCh38, 1-based): chr19:48,161,424, A>G on the plus strand (T>C on the coding strand, the complement: LIG1 is on the minus strand). VCF-style: chr19-48161424-A-G. GRCh37 (hg19) VCF-style: chr19-48664681-A-G.
Other names: c.101T>C, p.Leu34Pro (NM_001289063.2, NM_001320971.2); c.191T>C, p.Leu64Pro (NM_001289064.2, NM_001320970.2); short protein forms L34P, L64P.
Identifiers: ClinVar variation 3254808 (VCV003254808.1), dbSNP rs2514332998.

ClinVar aggregate classification (germline): Uncertain significance (1 of 4 stars; one submission).

Conditions:
Immunodeficiency 96 (IMD96). Identifiers: MedGen C5676930, MONDO:0030693, OMIM 619774.

Allele frequency attached by ClinVar (database versions not stated): gnomAD exomes below 0.00001.
gnomAD v4.1: 2 of 1,614,150 alleles (0.00012%); highest among the groups gnomAD compares: Non-Finnish European, 0.00017%; no homozygotes.

Submission:

Victorian Clinical Genetics Services, Murdoch Childrens Research Institute
Classification: Uncertain significance for Immunodeficiency 96. Last evaluated: 2023-07-16. Review status: criteria provided, single submitter. Criteria: ACMG Guidelines, 2015. Collection method: clinical testing. Allele origin: germline. Inheritance: Autosomal recessive inheritance. Affected: yes.
Comment: Based on the classification scheme VCGS_Germline_v1.3.4, this variant is classified as VUS-3B. Following criteria are met: 0102 - Loss of function is a known mechanism of disease in this gene and is associated with immunodeficiency 96 (MIM#619774). (I) 0106 - This gene is associated with autosomal recessive disease. (I) 0200 - Variant is predicted to result in a missense amino acid change from leucine to proline. (I) 0252 - This variant is homozygous. (I) 0301 - Variant is absent from gnomAD (both v2 and v3). (SP) 0502 - Missense variant with conflicting in silico predictions and uninformative conservation. (I) 0604 - Variant is not located in an established domain, motif, hotspot or informative constraint region. (I) 0705 - No comparable missense variants have previous evidence for pathogenicity. (I) 0807 - This variant has no previous evidence of pathogenicity. (I) 0905 - No published segregation evidence has been identified for this variant. (I) 1007 - No published functional evidence has been identified for this variant. (I) 1209 - This variant has been shown to be both maternally and paternally inherited (biallelic, by trio analysis). (I) Legend: (SP) - Supporting pathogenic, (I) - Information, (SB) - Supporting benign